The following is an entry in ClinVar:

ClinVar aggregate classification (germline): Uncertain significance (1 of 4 stars; one submission).

Allele frequency attached by ClinVar (database versions not stated): gnomAD 0.00003; gnomAD exomes 0.00006; ExAC 0.00015.
gnomAD v4.1: 52 of 876,578 alleles (0.0059%); highest among the groups gnomAD compares: Non-Finnish European, 0.0081%; no homozygotes.

Submission:

Labcorp Genetics (formerly Invitae), Labcorp
Classification: Uncertain significance. Last evaluated: 2021-08-28. Review status: criteria provided, single submitter. Criteria: Invitae Variant Classification Sherloc (09022015). Collection method: clinical testing. Allele origin: germline.
Comment: This sequence change replaces proline with serine at codon 2419 of the PCLO protein (p.Pro2419Ser). The proline residue is moderately conserved and there is a moderate physicochemical difference between proline and serine. While this variant is present in population databases (rs762205528), the frequency information is unreliable, as metrics indicate poor data quality at this position in the ExAC database. This variant has not been reported in the literature in individuals affected with PCLO-related conditions. Algorithms developed to predict the effect of missense changes on protein structure and function are either unavailable or do not agree on the potential impact of this missense change (SIFT: "Tolerated"; PolyPhen-2: "Not Available"; Align-GVGD: "Class C0"). In summary, the available evidence is currently insufficient to determine the role of this variant in disease. Therefore, it has been classified as a Variant of Uncertain Significance.

NM_033026.6(PCLO):c.7255C>T (p.Pro2419Ser)

Gene: PCLO (piccolo presynaptic cytomatrix protein; minus strand). Cytogenetic location: 7q21.11.
Variant type: single nucleotide variant.
Coding change: c.7255C>T on transcript NM_033026.6 (MANE Select); coding-DNA position 7255, C replaced by T.
Protein change: p.Pro2419Ser; replaces proline 2419 with serine.
Molecular consequence: missense variant.
Genome position (GRCh38, 1-based): chr7:82,953,698, G>A on the plus strand (C>T on the coding strand, the complement: PCLO is on the minus strand). VCF-style: chr7-82953698-G-A. GRCh37 (hg19) VCF-style: chr7-82583014-G-A.
Other names: c.7255C>T, p.Pro2419Ser (NM_014510.3); short protein forms P2419S.
Identifiers: ClinVar variation 2175042 (VCV002175042.1), dbSNP rs762205528, ClinGen allele CA4320335.